The following is an entry in ClinVar:

ClinVar aggregate classification (germline): Conflicting classifications of pathogenicity. Review status: criteria provided, conflicting classifications (1 of 4 stars). 2 submissions from 2 submitters: Uncertain significance (1); Likely benign (1). Last evaluated 2026-06-01.

Conditions:
Intellectual developmental disorder with autistic features and language delay, with or without seizures. Identifiers: MedGen C5394447, MONDO:0030051, OMIM 618906.

Allele frequency attached by ClinVar (database versions not stated): TOPMed below 0.00001; ExAC 0.00001; gnomAD 0.00001; ESP Exome Variant Server 0.00008.
gnomAD v4.1: 53 of 1,613,838 alleles (0.0033%); highest among the groups gnomAD compares: Non-Finnish European, 0.0043%; no homozygotes.

Submissions (2):

CeGaT Center for Human Genetics Tuebingen
Classification: Likely benign. Last evaluated: 2026-06-01. Review status: criteria provided, single submitter. Criteria: CeGaT Center For Human Genetics Tuebingen Variant Classification Criteria Version 2. Collection method: clinical testing. Allele origin: germline. Affected: yes. Observed: 2 variant alleles.
Comment: TANC2: BS2

MGZ Medical Genetics Center
Classification: Uncertain significance for Intellectual developmental disorder with autistic features and language delay, with or without seizures. Last evaluated: 2021-07-23. Review status: criteria provided, single submitter. Criteria: ACMG Guidelines, 2015. Collection method: clinical testing. Allele origin: germline. Affected: yes. Observed: 1 variant allele.
Comment: ACMG criteria applied: PM2_SUP, PP3

NM_001394998.1(TANC2):c.5594G>A (p.Arg1865His)

Gene: TANC2 (tetratricopeptide repeat, ankyrin repeat and coiled-coil containing 2; plus strand). Cytogenetic location: 17q23.3.
Variant type: single nucleotide variant.
Coding change: c.5594G>A on transcript NM_001394998.1 (MANE Select); coding-DNA position 5594, G replaced by A.
Protein change: p.Arg1865His; replaces arginine 1865 with histidine.
Molecular consequence: missense variant.
Genome position (GRCh38, 1-based): chr17:63,421,324, G>A. VCF-style: chr17-63421324-G-A. GRCh37 (hg19) VCF-style: chr17-61498685-G-A.
Other names: c.5372G>A, p.Arg1791His (NM_001411076.1); c.5342G>A, p.Arg1781His (NM_025185.4); short protein forms R1781H, R1791H, R1865H.
Identifiers: ClinVar variation 1709847 (VCV001709847.6), dbSNP rs372821172, ClinGen allele CA8698475.
Genomic context (GRCh38, chr17:63,421,324, plus strand): 5'-AAATCAAACCGCACCCGCCAACTCCCAGGCCGTTGCTGCATTCCCAAAGTGTAGGCCTTC[G>A]CTTCTCTCCATCTAGCAATAGTATCTCCTCCACCTCCAACCTAACTCCGACCTTCCGGCC-3'
Protein context (NP_001381927.1, residues 1855-1875): PLLHSQSVGL[Arg1865His]FSPSSNSISS